The following is an entry in ClinVar:

NM_005751.5(AKAP9):c.4370A>G (p.Gln1457Arg)

Gene: AKAP9 (A-kinase anchoring protein 9; plus strand). Cytogenetic location: 7q21.2.
Variant type: single nucleotide variant.
Coding change: c.4370A>G on transcript NM_005751.5 (MANE Select); coding-DNA position 4370, A replaced by G.
Protein change: p.Gln1457Arg; replaces glutamine 1457 with arginine.
Molecular consequence: missense variant.
Genome position (GRCh38, 1-based): chr7:92,038,450, A>G. VCF-style: chr7-92038450-A-G. GRCh37 (hg19) VCF-style: chr7-91667764-A-G.
Other names: c.4370A>G, p.Gln1457Arg (NM_147185.3); short protein forms Q1457R.
Identifiers: ClinVar variation 2624561 (VCV002624561.2), dbSNP rs781128255, ClinGen allele CA4336570.

ClinVar aggregate classification (germline): Uncertain significance (1 of 4 stars; one submission).

Conditions:
Cardiovascular phenotype. Identifiers: MedGen CN230736.

Allele frequency attached by ClinVar (database versions not stated): ExAC 0.00001; gnomAD 0.00001; TOPMed 0.00002; gnomAD exomes 0.00004.
gnomAD v4.1: 53 of 1,613,734 alleles (0.0033%); highest among the groups gnomAD compares: Non-Finnish European, 0.0044%; no homozygotes.

Submission:

Ambry Genetics
Classification: Uncertain significance for Cardiovascular phenotype. Last evaluated: 2023-06-22. Review status: criteria provided, single submitter. Criteria: Ambry Variant Classification Scheme 2023. Collection method: clinical testing. Allele origin: germline.
Comment: The p.Q1457R variant (also known as c.4370A>G), located in coding exon 17 of the AKAP9 gene, results from an A to G substitution at nucleotide position 4370. The glutamine at codon 1457 is replaced by arginine, an amino acid with highly similar properties. This amino acid position is well conserved in available vertebrate species. In addition, this alteration is predicted to be tolerated by in silico analysis. The evidence for this gene-disease relationship is limited; therefore, the clinical significance of this alteration is unclear.